The following is an entry in ClinVar:

ClinVar aggregate classification (germline): Likely benign (1 of 4 stars; one submission).

gnomAD v4.1: 2 of 1,613,922 alleles (0.00012%); highest among the groups gnomAD compares: Non-Finnish European, 0.00017%; no homozygotes.

Submission:

CeGaT Center for Human Genetics Tuebingen
Classification: Likely benign. Last evaluated: 2025-12-01. Review status: criteria provided, single submitter. Criteria: CeGaT Center For Human Genetics Tuebingen Variant Classification Criteria Version 2. Collection method: clinical testing. Allele origin: germline. Affected: yes. Observed: 1 variant allele.
Comment: CHD7: BP4

NM_017780.4(CHD7):c.3081A>T (p.Thr1027=)

Gene: CHD7 (chromodomain helicase DNA binding protein 7; plus strand). Cytogenetic location: 8q12.2.
Variant type: single nucleotide variant.
Coding change: c.3081A>T on transcript NM_017780.4 (MANE Select); coding-DNA position 3081, A replaced by T.
Protein change: p.Thr1027=; no amino-acid change (threonine 1027 retained).
Molecular consequence: synonymous variant. On other transcripts: intron variant (1).
Genome position (GRCh38, 1-based): chr8:60,822,626, A>T. VCF-style: chr8-60822626-A-T. GRCh37 (hg19) VCF-style: chr8-61735185-A-T.
Other names: c.1717-39603A>T (NM_001316690.1).
Identifiers: ClinVar variation 4681693 (VCV004681693.5).